The following is an entry in ClinVar:

ClinVar aggregate classification (germline): Uncertain significance (1 of 4 stars; one submission).

Submission:

Dasa
Classification: Uncertain significance. Last evaluated: 2026-01-30. Review status: criteria provided, single submitter. Criteria: DASA Assertion Criteria. Collection method: clinical testing. Allele origin: germline.
Comment: NM_003482.4(KMT2D):c.15292A>C (p.Thr5098Pro) is a missense variant that results in the substitution of threonine with proline. This variant is absent from population databases. Computational prediction algorithms are consistent with a deleterious effect. The currently available literature and clinical evidence are not sufficient to establish a definitive association between this variant and the reported condition. Therefore, this variant is classified as a variant of uncertain significance.

NM_003482.4(KMT2D):c.15292A>C (p.Thr5098Pro)

Gene: KMT2D (lysine methyltransferase 2D; minus strand). Cytogenetic location: 12q13.12.
Variant type: single nucleotide variant.
Coding change: c.15292A>C on transcript NM_003482.4 (MANE Select); coding-DNA position 15292, A replaced by C.
Protein change: p.Thr5098Pro; replaces threonine 5098 with proline.
Molecular consequence: missense variant.
Genome position (GRCh38, 1-based): chr12:49,026,674, T>G on the plus strand (A>C on the coding strand, the complement: KMT2D is on the minus strand). VCF-style: chr12-49026674-T-G. GRCh37 (hg19) VCF-style: chr12-49420457-T-G.
Other names: short protein forms T5098P.
Identifiers: ClinVar variation 4885768 (VCV004885768.2).